The following is an entry in ClinVar:

NM_002519.3(NPAT):c.2052A>T (p.Lys684Asn)

Gene: NPAT (nuclear protein, coactivator of histone transcription; minus strand). Cytogenetic location: 11q22.3.
Variant type: single nucleotide variant.
Coding change: c.2052A>T on transcript NM_002519.3 (MANE Select); coding-DNA position 2052, A replaced by T.
Protein change: p.Lys684Asn; replaces lysine 684 with asparagine.
Molecular consequence: missense variant.
Genome position (GRCh38, 1-based): chr11:108,172,932, T>A on the plus strand (A>T on the coding strand, the complement: NPAT is on the minus strand). VCF-style: chr11-108172932-T-A. GRCh37 (hg19) VCF-style: chr11-108043659-T-A.
Other names: c.2052A>T, p.Lys684Asn (NM_001321307.1); short protein forms K684N.
Identifiers: ClinVar variation 3222507 (VCV003222507.1), dbSNP rs2496718905, ClinGen allele CA382513782.
Genomic context (GRCh38, chr11:108,172,932, plus strand): 5'-TTCTGGAGGAAGAGAGTGACTGTTTTCTACAGGAGTGCCTTCTGGAGGCGTCAGTGCAAC[T>A]TTCTCACAGTTAGCATTTCCACCTAAAGAGAGAAAAATAGTATTCTCTTCTTTTACAGAA-3'
Protein context (NP_002510.2, residues 674-694): LSLGGNANCE[Lys684Asn]VALTPPEGTP

ClinVar aggregate classification (germline): Uncertain significance (1 of 4 stars; one submission).

Submission:

Ambry Genetics
Classification: Uncertain significance. Last evaluated: 2023-12-08. Review status: criteria provided, single submitter. Criteria: Ambry Variant Classification Scheme 2023. Collection method: clinical testing. Allele origin: germline.
Comment: The p.K684N variant (also known as c.2052A>T), located in coding exon 13 of the NPAT gene, results from an A to T substitution at nucleotide position 2052. The lysine at codon 684 is replaced by asparagine, an amino acid with similar properties. This amino acid position is conserved. In addition, this alteration is predicted to be tolerated by in silico analysis. Since supporting evidence is limited at this time, the clinical significance of this alteration remains unclear.